The following is an entry in ClinVar:

ClinVar aggregate classification (germline): Likely benign (1 of 4 stars; one submission).

Allele frequency attached by ClinVar (database versions not stated): 1000 Genomes Project 30x 0.00812.

Submission:

CeGaT Center for Human Genetics Tuebingen
Classification: Likely benign. Last evaluated: 2022-11-01. Review status: criteria provided, single submitter. Criteria: CeGaT Center For Human Genetics Tuebingen Variant Classification Criteria Version 2. Collection method: clinical testing. Allele origin: germline. Affected: yes. Observed: 1 variant allele.
Comment: HLA-DRB1: BP4, BP7

NM_002124.4(HLA-DRB1):c.96C>T (p.Thr32=)

Gene: HLA-DRB1 (major histocompatibility complex, class II, DR beta 1; minus strand). Cytogenetic location: 6p21.32.
Variant type: single nucleotide variant.
Coding change: c.96C>T on transcript NM_002124.4 (MANE Select); coding-DNA position 96, C replaced by T.
Protein change: p.Thr32=; no amino-acid change (threonine 32 retained).
Molecular consequence: synonymous variant.
Genome position (GRCh38, 1-based): chr6:32,589,647, G>A on the plus strand (C>T on the coding strand, the complement: HLA-DRB1 is on the minus strand). VCF-style: chr6-32589647-G-A. GRCh37 (hg19) VCF-style: chr6-32557424-G-A.
Identifiers: ClinVar variation 2656464 (VCV002656464.24), dbSNP rs751394570, ClinGen allele CA3743539.